The following is an entry in ClinVar:

NM_000258.3(MYL3):c.77C>G (p.Pro26Arg)

Gene: MYL3 (myosin light chain 3; minus strand). Cytogenetic location: 3p21.31.
Variant type: single nucleotide variant.
Coding change: c.77C>G on transcript NM_000258.3 (MANE Select); coding-DNA position 77, C replaced by G.
Protein change: p.Pro26Arg; replaces proline 26 with arginine.
Molecular consequence: missense variant.
Genome position (GRCh38, 1-based): chr3:46,863,314, G>C on the plus strand (C>G on the coding strand, the complement: MYL3 is on the minus strand). VCF-style: chr3-46863314-G-C. GRCh37 (hg19) VCF-style: chr3-46904804-G-C.
Other names: short protein forms P26R.
Identifiers: ClinVar variation 922411 (VCV000922411.4), dbSNP rs1702011145, ClinGen allele CA352499662.

ClinVar aggregate classification (germline): Uncertain significance (1 of 4 stars; one submission).

Conditions:
Cardiomyopathy (CMYO). Also called: Cardiomyopathies. Identifiers: Orphanet 167848, MedGen C0878544, MONDO:0004994, HP:0001638. Inheritance: Various modes of inheritance.

Allele frequency attached by ClinVar (database versions not stated): gnomAD exomes below 0.00001.
gnomAD v4.1: 1 of 1,614,066 alleles (0.000062%); highest among the groups gnomAD compares: Non-Finnish European, 0.000085%; no homozygotes.

Submission:

Color Diagnostics, LLC DBA Color Health
Classification: Uncertain significance for Cardiomyopathy. Last evaluated: 2024-03-06. Review status: criteria provided, single submitter. Criteria: ACMG Guidelines, 2015. Collection method: clinical testing. Allele origin: germline.
Comment: This missense variant replaces proline with arginine at codon 26 of the MYL3 protein. Computational prediction tool suggests that this variant may not impact protein structure and function (internally defined REVEL score threshold <=0.5, PMID: 27666373). Splice site prediction tools suggest that this variant may not impact RNA splicing. To our knowledge, functional studies have not been performed for this variant. This variant has not been reported in individuals affected with cardiovascular disorders in the literature. This variant has not been identified in the general population by the Genome Aggregation Database (gnomAD). The available evidence is insufficient to determine the role of this variant in disease conclusively. Therefore, this variant is classified as a Variant of Uncertain Significance.